The following is an entry in ClinVar:

ClinVar aggregate classification (germline): Uncertain significance (1 of 4 stars; one submission).

Submission:

CeGaT Center for Human Genetics Tuebingen
Classification: Uncertain significance. Last evaluated: 2022-11-01. Review status: criteria provided, single submitter. Criteria: CeGaT Center For Human Genetics Tuebingen Variant Classification Criteria Version 2. Collection method: clinical testing. Allele origin: germline. Affected: yes. Observed: 1 variant allele.
Comment: IL1RAPL1: PM2:Supporting, BP4

NM_014271.4(IL1RAPL1):c.87T>C (p.Asp29=)

Gene: IL1RAPL1 (interleukin 1 receptor accessory protein like 1; plus strand). Cytogenetic location: Xp21.3.
Variant type: single nucleotide variant.
Coding change: c.87T>C on transcript NM_014271.4 (MANE Select); coding-DNA position 87, T replaced by C.
Protein change: p.Asp29=; no amino-acid change (aspartic acid 29 retained).
Molecular consequence: synonymous variant.
Genome position (GRCh38, 1-based): chrX:29,282,942, T>C. VCF-style: chrX-29282942-T-C. GRCh37 (hg19) VCF-style: chrX-29301059-T-C.
Identifiers: ClinVar variation 2660220 (VCV002660220.24), dbSNP rs777944975, ClinGen allele CA328232566.